The following is an entry in ClinVar:

NM_002180.3(IGHMBP2):c.696_700del (p.Lys233fs)

Gene: IGHMBP2 (immunoglobulin mu DNA binding protein 2; plus strand). Cytogenetic location: 11q13.3.
Variant type: Deletion.
Coding change: c.696_700del on transcript NM_002180.3 (MANE Select); coding-DNA positions 696 to 700, 5 bases deleted (GAAAC; older notation c.696_700delGAAAC).
Protein change: p.Lys233fs; shifts the reading frame from lysine 233.
Molecular consequence: frameshift variant.
Genome position (GRCh38, 1-based): chr11:68,911,588-68,911,592, GAAAC deleted. VCF-style (leftmost placement, unchanged base first): chr11-68911587-TGAAAC-T. GRCh37 (hg19) VCF-style: chr11-68679055-TGAAAC-T.
Other names: short protein forms K233fs.
Identifiers: ClinVar variation 1371633 (VCV001371633.6), dbSNP rs2154006948, ClinGen allele CA2573147679.
Genomic context (GRCh38, chr11:68,911,587, plus strand): 5'-TCCATGGACCTCCTGGCACTGGGAAAACCACGACTGTGGTTGAGATCATTCTTCAAGCTG[TGAAAC>T]AAGGCTTAAAGGTGGGCAGTGCATGCCACTTCCCTGTCAGAGCCCGTCCGCTCCTGGTCT-3'

ClinVar aggregate classification (germline): Pathogenic (1 of 4 stars; one submission).

Conditions:
Charcot-Marie-Tooth disease axonal type 2S. Also called: CHARCOT-MARIE-TOOTH NEUROPATHY, TYPE 2S; CHARCOT-MARIE-TOOTH DISEASE, AXONAL, AUTOSOMAL RECESSIVE, TYPE 2S. Identifiers: Orphanet 443073, MedGen C4015349, MONDO:0014511, OMIM 616155.
Autosomal recessive distal spinal muscular atrophy 1. Also called: HMN VI; NEURONOPATHY, SEVERE INFANTILE AXONAL, WITH RESPIRATORY FAILURE; NEURONOPATHY, DISTAL HEREDITARY MOTOR, HARDING TYPE VI; NEUROPATHY, DISTAL HEREDITARY MOTOR, AUTOSOMAL RECESSIVE 1; SEVERE INFANTILE AXONAL NEUROPATHY WITH RESPIRATORY FAILURE; SPINAL MUSCULAR ATROPHY, DIAPHRAGMATIC. Identifiers: Orphanet 98920, MedGen C1858517, MONDO:0011436, OMIM 604320.

Submission:

Labcorp Genetics (formerly Invitae), Labcorp
Classification: Pathogenic for Autosomal recessive distal spinal muscular atrophy 1; Charcot-Marie-Tooth disease axonal type 2S. Last evaluated: 2022-08-19. Review status: criteria provided, single submitter. Criteria: Invitae Variant Classification Sherloc (09022015). Collection method: clinical testing. Allele origin: germline.
Comment: For these reasons, this variant has been classified as Pathogenic. Algorithms developed to predict the effect of sequence changes on RNA splicing suggest that this variant may create or strengthen a splice site. ClinVar contains an entry for this variant (Variation ID: 1371633). This variant has not been reported in the literature in individuals affected with IGHMBP2-related conditions. This variant is not present in population databases (gnomAD no frequency). This sequence change creates a premature translational stop signal (p.Lys233Argfs*25) in the IGHMBP2 gene. It is expected to result in an absent or disrupted protein product. Loss-of-function variants in IGHMBP2 are known to be pathogenic (PMID: 14681881, 25439726, 25568292).

Literature cited by the submitters: PubMed 14681881; PubMed 25439726; PubMed 25568292.